The following is an entry in ClinVar:

ClinVar aggregate classification (germline): Likely benign (0 of 4 stars; one submission).

Conditions:
LRP8-related disorder. Also called: LRP8-related condition.

Allele frequency attached by ClinVar (database versions not stated): gnomAD 0.00003; gnomAD exomes 0.00003; TOPMed 0.00011.
gnomAD v4.1: 12 of 1,246,342 alleles (0.00096%); highest among the groups gnomAD compares: Admixed American, 0.05%; no homozygotes.

Submission:

PreventionGenetics, part of Exact Sciences
Classification: Likely benign for LRP8-related condition. Last evaluated: 2022-02-18. Review status: no assertion criteria provided. Collection method: clinical testing. Allele origin: germline.
Comment: This variant is classified as likely benign based on ACMG/AMP sequence variant interpretation guidelines (Richards et al. 2015 PMID: 25741868, with internal and published modifications).

NM_004631.5(LRP8):c.-5C>T

Genes: LRP8 (LDL receptor related protein 8; minus strand), LOC129930568 (ATAC-STARR-seq lymphoblastoid silent region 908; plus strand). Cytogenetic location: 1p32.3.
Variant type: single nucleotide variant.
Coding change: c.-5C>T on transcript NM_004631.5 (MANE Select); 5 bases upstream of the start codon, C replaced by T.
Molecular consequence: 5 prime UTR variant.
Genome position (GRCh38, 1-based): chr1:53,327,917, G>A on the plus strand (C>T on the coding strand, the complement: LRP8 is on the minus strand). VCF-style: chr1-53327917-G-A. GRCh37 (hg19) VCF-style: chr1-53793589-G-A.
Other names: c.-5C>T (NM_001018054.3, NM_017522.5, NM_033300.4).
Identifiers: ClinVar variation 3036212 (VCV003036212.2), dbSNP rs1053190174, ClinGen allele CA22632482.
Genomic context (GRCh38, chr1:53,327,917, plus strand): 5'-AGCAGCAGCAGCAGCAGCGCCAGAAGCCGGAGAGGGCCCGGCTCGGGGAGGCCCATGGCG[G>A]GCCCGGGGCTCCGGCCGCCGCGCCCCGCGCTCCCCGCGCCGCCGCCGCCGCGTCTCAGCC-3'